The following is an entry in ClinVar:

ClinVar aggregate classification (germline): Likely pathogenic (1 of 4 stars; one submission).

Conditions:
Retinitis pigmentosa 25 (RP25). Identifiers: Orphanet 791, MedGen C1864446, MONDO:0011272, OMIM 602772.

Submission:

Natera, Inc.
Classification: Likely pathogenic for Retinitis pigmentosa type 25. Last evaluated: 2024-11-21. Review status: criteria provided, single submitter. Criteria: Natera Variant Classification Schema (03/2026). Collection method: clinical testing. Allele origin: germline.
Comment: The c.8858C>G variant in EYS is a nonsense variant predicted to introduce a stop codon at amino acid 2953. This variant is expected to result in nonsense mediated decay, truncation, or a dysfunctional protein product. This variant is rare in the general population with a frequency below the threshold expected for the associated phenotype(s). Given the available evidence, this variant is classified as Likely Pathogenic.

NM_001142800.2(EYS):c.8858C>G (p.Ser2953Ter)

Genes: EYS (EGF-like photoreceptor maintenance factor; minus strand), PHF3 (PHD finger protein 3; plus strand). Cytogenetic location: 6q12.
Variant type: single nucleotide variant.
Coding change: c.8858C>G on transcript NM_001142800.2 (MANE Select); coding-DNA position 8858, C replaced by G.
Protein change: p.Ser2953Ter; replaces serine 2953 with a stop codon.
Molecular consequence: nonsense. On other transcripts: 3 prime UTR variant (5).
Genome position (GRCh38, 1-based): chr6:63,721,173, G>C on the plus strand (C>G on the coding strand, the complement: EYS is on the minus strand). VCF-style: chr6-63721173-G-C. GRCh37 (hg19) VCF-style: chr6-64431069-G-C.
Other names: c.8921C>G, p.Ser2974Ter (NM_001292009.2); c.*7465G>C (NM_001290259.2, NM_001370348.2, NM_001370349.2 and 2 more transcripts); short protein forms S2953*, S2974*.
Identifiers: ClinVar variation 4814666 (VCV004814666.1).